The following is an entry in ClinVar:

ClinVar aggregate classification (germline): Likely pathogenic (1 of 4 stars; one submission).

Submission:

GeneDx
Classification: Likely pathogenic. Last evaluated: 2016-08-10. Review status: criteria provided, single submitter. Criteria: GeneDx Variant Classification (06012015). Collection method: clinical testing. Allele origin: germline. Affected: yes.
Comment: The L817Q variant in the CSF1R gene has not been reported previously as a pathogenic variant, nor as a benign variant, to our knowledge. However, a missense variant at this same codon (L817P) has been reported in one individual with adult onset leukodystrophy with axonal spheroids (Guerreiro et al., 2013). The L817Q variant was not observed in approximately 6500 individuals of European and African American ancestry in the NHLBI Exome Sequencing Project, indicating it is not a common benign variant in these populations. The L817Q variant is a non-conservative amino acid substitution, which is likely to impact secondary protein structure as these residues differ in polarity, charge, size and/or other properties. This substitution occurs at a position that is conserved across species. In silico analysis predicts this variant is probably damaging to the protein structure/function. The L817Q variant is a strong candidate for a pathogenic variant, however, the possibility it may be a rare benign variant cannot be excluded.

NM_001288705.3(CSF1R):c.2450T>A (p.Leu817Gln)

Gene: CSF1R (colony stimulating factor 1 receptor; minus strand). Cytogenetic location: 5q32.
Variant type: single nucleotide variant.
Coding change: c.2450T>A on transcript NM_001288705.3 (MANE Select); coding-DNA position 2450, T replaced by A.
Protein change: p.Leu817Gln; replaces leucine 817 with glutamine.
Molecular consequence: missense variant. On other transcripts: non-coding transcript variant (2).
Genome position (GRCh38, 1-based): chr5:150,056,130, A>T on the plus strand (T>A on the coding strand, the complement: CSF1R is on the minus strand). VCF-style: chr5-150056130-A-T. GRCh37 (hg19) VCF-style: chr5-149435693-A-T.
Other names: c.2450T>A, p.Leu817Gln (NM_001349736.2, NM_001375320.1, NM_005211.4); c.2006T>A, p.Leu669Gln (NM_001375321.1); short protein forms L817Q, L669Q.
Identifiers: ClinVar variation 421705 (VCV000421705.2), dbSNP rs690016549, ClinGen allele CA16618138.